The following is an entry in ClinVar:

ClinVar aggregate classification (germline): Uncertain significance. Review status: criteria provided, multiple submitters, no conflicts (2 of 4 stars). 6 submissions from 6 submitters: Uncertain significance (6). Last evaluated 2025-08-08.

Conditions:
Cardiac arrhythmia. Also called: Cardiac rhythm disease; Arrhythmia. Identifiers: MedGen C0003811, MONDO:0007263, HP:0011675.
Long QT syndrome (LQTS). Identifiers: MedGen C0023976, MeSH D008133, MONDO:0002442. Disease mechanism: loss of function. Inheritance: Various modes of inheritance.
Cardiovascular phenotype. Identifiers: MedGen CN230736.

Allele frequency attached by ClinVar (database versions not stated): gnomAD 0.00001; TOPMed 0.00001; ExAC 0.00006.
gnomAD v4.1: 28 of 1,577,508 alleles (0.0018%); highest among the groups gnomAD compares: Non-Finnish European, 0.0024%; no homozygotes.

Submissions (6):

Labcorp Genetics (formerly Invitae), Labcorp
Classification: Uncertain significance for Long QT syndrome. Last evaluated: 2025-08-08. Review status: criteria provided, single submitter. Criteria: Invitae Variant Classification Sherloc (09022015). Collection method: clinical testing. Allele origin: germline.
Comment: This sequence change replaces proline, which is neutral and non-polar, with serine, which is neutral and polar, at codon 952 of the KCNH2 protein (p.Pro952Ser). This variant is present in population databases (rs753735368, gnomAD 0.003%). This variant has not been reported in the literature in individuals affected with KCNH2-related conditions. ClinVar contains an entry for this variant (Variation ID: 919402). An algorithm developed to predict the effect of missense changes on protein structure and function (PolyPhen-2) suggests that this variant is likely to be tolerated. In summary, the available evidence is currently insufficient to determine the role of this variant in disease. Therefore, it has been classified as a Variant of Uncertain Significance.

Color Diagnostics, LLC DBA Color Health
Classification: Uncertain significance for Cardiac arrhythmia. Last evaluated: 2025-05-21. Review status: criteria provided, single submitter. Criteria: ACMG Guidelines, 2015. Collection method: clinical testing. Allele origin: germline.
Comment: This missense variant replaces proline with serine at codon 952 of the KCNH2 protein. Computational prediction suggests that this variant may not impact protein structure and function. To our knowledge, functional studies have not been reported for this variant. This variant has been reported in an individual affected with dilated cardiomyopathy and ventricular tachycardia who carried a pathogenic truncation variant in the TTN gene (PMID: 33190517). It has also been reported in an individual with Brugada syndrome (PMID: 39895654). This variant has been identified in 2/183400 chromosomes in the general population by the Genome Aggregation Database (gnomAD). The available evidence is insufficient to determine the role of this variant in disease conclusively. Therefore, this variant is classified as a Variant of Uncertain Significance.

GeneDx
Classification: Uncertain significance. Last evaluated: 2024-09-24. Review status: criteria provided, single submitter. Criteria: GeneDx Variant Classification Process June 2021. Collection method: clinical testing. Allele origin: germline. Affected: yes.
Comment: Identified in a patient with cardiomyopathy and arrhythmia who harbors additional cardiogenetic variants and in a patient with epilepsy (PMID: 31696929, 33190517); Not observed at significant frequency in large population cohorts (gnomAD); In silico analysis indicates that this missense variant does not alter protein structure/function; This variant is associated with the following publications: (PMID: 31696929, 33190517, 24190697)

All of Us Research Program, National Institutes of Health
Classification: Uncertain significance for Long QT syndrome. Last evaluated: 2024-08-06. Review status: criteria provided, single submitter. Criteria: ACMG Guidelines, 2015. Collection method: clinical testing. Allele origin: germline. Inheritance: Autosomal dominant inheritance. Observed: 8 variant alleles, 8 heterozygotes.
Comment: This missense variant replaces proline with serine at codon 952 of the KCNH2 protein. Computational prediction suggests that this variant may not impact protein structure and function (internally defined REVEL score threshold <= 0.5, PMID: 27666373). To our knowledge, functional studies have not been reported for this variant. This variant has been reported in an individual affected with nonischemic dilated cardiomyopathy and ventricular tachycardia who also carried a pathogenic truncation variant in the TTN gene (PMID: 33190517). This variant has been identified in 2/183400 chromosomes in the general population by the Genome Aggregation Database (gnomAD). The available evidence is insufficient to determine the role of this variant in disease conclusively. Therefore, this variant is classified as a Variant of Uncertain Significance.

This study involves interpretation of variants in research participants for the purpose of population health screening. Participant phenotype was not available at the time of variant classification. Additional details can be found in publication PMID: 35346344, PMCID: PMC8962531

Ambry Genetics
Classification: Uncertain significance for Cardiovascular phenotype. Last evaluated: 2024-02-13. Review status: criteria provided, single submitter. Criteria: Ambry Variant Classification Scheme 2023. Collection method: clinical testing. Allele origin: germline.
Comment: The p.P952S variant (also known as c.2854C>T), located in coding exon 12 of the KCNH2 gene, results from a C to T substitution at nucleotide position 2854. The proline at codon 952 is replaced by serine, an amino acid with similar properties. This alteration has been reported in a Brugada syndrome cohort, an epilepsy cohort and a dilated cardiomyopathy (DCM) cohort (G&oacute;mez J et al. J Cardiovasc Transl Res, 2014 Feb;7:133-7; Li X et al. Ann Hum Genet, 2020 Mar;84:161-168; Brown EE et al. Circ Genom Precis Med, 2020 Dec;13:e003082). This amino acid position is highly conserved in available vertebrate species. In addition, the in silico prediction for this alteration is inconclusive. Based on the available evidence, the clinical significance of this alteration remains unclear.

Blueprint Genetics
Classification: Uncertain significance. Last evaluated: 2023-12-18. Review status: criteria provided, single submitter. Criteria: ACMG Guidelines, 2015. Collection method: clinical testing. Allele origin: germline.

Literature cited by the submitters: PubMed 33190517 (cited by 3 submitters); PubMed 39895654 (cited by Color Diagnostics, LLC DBA Color Health); PubMed 24190697 (cited by Ambry Genetics); PubMed 31696929 (cited by Ambry Genetics).

NM_000238.4(KCNH2):c.2854C>T (p.Pro952Ser)

Gene: KCNH2 (potassium voltage-gated channel subfamily H member 2; minus strand). Cytogenetic location: 7q36.1.
Variant type: single nucleotide variant.
Coding change: c.2854C>T on transcript NM_000238.4 (MANE Select); coding-DNA position 2854, C replaced by T.
Protein change: p.Pro952Ser; replaces proline 952 with serine.
Molecular consequence: missense variant.
Genome position (GRCh38, 1-based): chr7:150,947,717, G>A on the plus strand (C>T on the coding strand, the complement: KCNH2 is on the minus strand). VCF-style: chr7-150947717-G-A. GRCh37 (hg19) VCF-style: chr7-150644805-G-A.
Other names: c.1834C>T, p.Pro612Ser (NM_172057.3); short protein forms P952S, P612S.
Identifiers: ClinVar variation 919402 (VCV000919402.21), dbSNP rs753735368, ClinGen allele CA035078.